The following is an entry in ClinVar:

ClinVar aggregate classification (germline): Uncertain significance. Review status: criteria provided, multiple submitters, no conflicts (2 of 4 stars). 2 submissions from 2 submitters: Uncertain significance (2). Last evaluated 2026-07-07.

Conditions:
Hereditary cancer-predisposing syndrome. Also called: Tumor predisposition; Hereditary neoplastic syndrome; Neoplastic Syndromes, Hereditary; Hereditary Cancer Syndrome. Identifiers: Orphanet 140162, MedGen C0027672, MeSH D009386, MONDO:0015356.

Submissions (2):

Ambry Genetics
Classification: Uncertain significance for Hereditary cancer-predisposing syndrome. Last evaluated: 2026-07-07. Review status: criteria provided, single submitter. Criteria: Ambry Variant Classification Scheme 2023. Collection method: clinical testing. Allele origin: germline.
Comment: The p.L41R variant (also known as c.122T>G), located in coding exon 1 of the BARD1 gene, results from a T to G substitution at nucleotide position 122. The leucine at codon 41 is replaced by arginine, an amino acid with dissimilar properties. This amino acid position is conserved. In addition, the in silico prediction for this alteration is inconclusive. Based on the available evidence, the clinical significance of this variant remains unclear.

Sema4
Classification: Uncertain significance for Hereditary cancer-predisposing syndrome. Last evaluated: 2021-11-17. Review status: criteria provided, single submitter. Criteria: Sema4 Curation Guidelines. Collection method: curation. Allele origin: germline.
Comment: The BARD1 c.122T>G (p.L41R) variant has not been reported in the literature to our knowledge. It was not observed in the large and broad cohorts of the Genome Aggregation Database, and has not been reported in ClinVar. Functional studies have not been performed, and in silico predictions of the variant's effect on protein function are inconclusive. The evidence is insufficient to meet ACMG/AMP criteria for classifying the variant as benign or pathogenic. Thus, the clinical significance of this variant is currently uncertain.

NM_000465.4(BARD1):c.122T>G (p.Leu41Arg)

Gene: BARD1 (BRCA1 associated RING domain 1; minus strand). Cytogenetic location: 2q35.
Variant type: single nucleotide variant.
Coding change: c.122T>G on transcript NM_000465.4 (MANE Select); coding-DNA position 122, T replaced by G.
Protein change: p.Leu41Arg; replaces leucine 41 with arginine.
Molecular consequence: missense variant. On other transcripts: non-coding transcript variant (3).
Genome position (GRCh38, 1-based): chr2:214,809,448, A>C on the plus strand (T>G on the coding strand, the complement: BARD1 is on the minus strand). VCF-style: chr2-214809448-A-C. GRCh37 (hg19) VCF-style: chr2-215674172-A-C.
Other names: c.122T>G, p.Leu41Arg (NM_001282543.2, NM_001282545.2, NM_001282548.2 and 1 more transcripts); short protein forms L41R.
Identifiers: ClinVar variation 1692443 (VCV001692443.2), dbSNP rs2106170996, ClinGen allele CA350464934.